The following is an entry in ClinVar:

ClinVar aggregate classification (germline): Likely benign. Review status: criteria provided, single submitter (1 of 4 stars). 2 submissions from 2 submitters: Likely benign (1). 1 of the submissions does not count toward it. Last evaluated 2024-03-04.

Conditions:
Meckel-Gruber syndrome. Also called: Dysencephalia splachnocystica; DYSENCEPHALIA SPLANCHNOCYSTICA; GRUBER SYNDROME. Identifiers: Orphanet 564, MedGen C0265215, MONDO:0018921.
Joubert syndrome. Also called: JOUBERT-BOLTSHAUSER SYNDROME; Familial aplasia of the vermis. Identifiers: Orphanet 475, MedGen C5979921, MONDO:0018772.
MKS1-related disorder. Also called: MKS1-related disorders; MKS1-related condition. Identifiers: MedGen CN239382.

Allele frequency attached by ClinVar (database versions not stated): gnomAD exomes 0.00001 and 0.00002; TOPMed 0.00001.

Submissions (2):

Labcorp Genetics (formerly Invitae), Labcorp
Classification: Likely benign for Joubert syndrome; Meckel-Gruber syndrome. Last evaluated: 2024-03-04. Review status: criteria provided, single submitter. Criteria: Invitae Variant Classification Sherloc (09022015). Collection method: clinical testing. Allele origin: germline.

PreventionGenetics, part of Exact Sciences
Classification: Likely benign for MKS1-related condition. Last evaluated: 2023-05-08. Review status: no assertion criteria provided. Collection method: clinical testing. Allele origin: germline. Not counted in ClinVar's aggregate classification.
Comment: This variant is classified as likely benign based on ACMG/AMP sequence variant interpretation guidelines (Richards et al. 2015 PMID: 25741868, with internal and published modifications).

NM_017777.4(MKS1):c.1392A>T (p.Ile464=)

Gene: MKS1 (MKS transition zone complex subunit 1; minus strand). Cytogenetic location: 17q22.
Variant type: single nucleotide variant.
Coding change: c.1392A>T on transcript NM_017777.4 (MANE Select); coding-DNA position 1392, A replaced by T.
Protein change: p.Ile464=; no amino-acid change (isoleucine 464 retained).
Molecular consequence: synonymous variant. On other transcripts: intron variant (1).
Genome position (GRCh38, 1-based): chr17:58,207,100, T>A on the plus strand (A>T on the coding strand, the complement: MKS1 is on the minus strand). VCF-style: chr17-58207100-T-A. GRCh37 (hg19) VCF-style: chr17-56284461-T-A.
Other names: c.783A>T, p.Ile261= (NM_001321268.2); c.1392A>T, p.Ile464= (NM_001321269.2); c.1274-720A>T (NM_001330397.2); c.1392A>T (NM_017777.3).
Identifiers: ClinVar variation 1673916 (VCV001673916.9), dbSNP rs1160063124, ClinGen allele CA501025670.
Genomic context (GRCh38, chr17:58,207,100, plus strand): 5'-GACCATAAGTTCTCAGCGTGAAGTCACTCCAAAGACAAAAGTCACCTTGAAGGATCCTGG[T>A]ATCCGTACATAGGAGAGGTCCTCCAGTTCCAGAGAACCGCCAATGAAAAACCTCCTCAGC-3'
Protein context (NP_060247.2, residues 454-474): LELEDLSYVR[Ile464=]PGSFKGERLS